The following is an entry in ClinVar:

NM_000465.4(BARD1):c.286A>G (p.Lys96Glu)

Gene: BARD1 (BRCA1 associated RING domain 1; minus strand). Cytogenetic location: 2q35.
Variant type: single nucleotide variant.
Coding change: c.286A>G on transcript NM_000465.4 (MANE Select); coding-DNA position 286, A replaced by G.
Protein change: p.Lys96Glu; replaces lysine 96 with glutamic acid.
Molecular consequence: missense variant. On other transcripts: non-coding transcript variant (1), intron variant (2).
Genome position (GRCh38, 1-based): chr2:214,792,375, T>C on the plus strand (A>G on the coding strand, the complement: BARD1 is on the minus strand). VCF-style: chr2-214792375-T-C. GRCh37 (hg19) VCF-style: chr2-215657099-T-C.
Other names: c.229A>G, p.Lys77Glu (NM_001282543.2); c.286A>G, p.Lys96Glu (NM_001282549.2); c.158+17037A>G (NM_001282548.2); c.215+4686A>G (NM_001282545.2); short protein forms K77E, K96E.
Identifiers: ClinVar variation 1797029 (VCV001797029.2), dbSNP rs2469561106, ClinGen allele CA350461056.

ClinVar aggregate classification (germline): Uncertain significance (1 of 4 stars; one submission).

Conditions:
Hereditary cancer-predisposing syndrome. Also called: Tumor predisposition; Hereditary Cancer Syndrome; Neoplastic Syndromes, Hereditary; Hereditary neoplastic syndrome. Identifiers: Orphanet 140162, MedGen C0027672, MeSH D009386, MONDO:0015356.

Submission:

Ambry Genetics
Classification: Uncertain significance for Hereditary cancer-predisposing syndrome. Last evaluated: 2020-02-04. Review status: criteria provided, single submitter. Criteria: Ambry Variant Classification Scheme 2023. Collection method: clinical testing. Allele origin: germline.
Comment: The p.K96E variant (also known as c.286A>G), located in coding exon 3 of the BARD1 gene, results from an A to G substitution at nucleotide position 286. The lysine at codon 96 is replaced by glutamic acid, an amino acid with similar properties. This amino acid position is well conserved in available vertebrate species. In addition, this alteration is predicted to be tolerated by in silico analysis. Since supporting evidence is limited at this time, the clinical significance of this alteration remains unclear.